The following is an entry in ClinVar:

ClinVar aggregate classification (germline): Uncertain significance (1 of 4 stars; one submission).

Conditions:
Multiple gastrointestinal atresias. Also called: Multiple intestinal atresia; FAMILIAL INTESTINAL POLYATRESIA SYNDROME. Identifiers: Orphanet 2300, MedGen C0220744, MONDO:0009465.

Allele frequency attached by ClinVar (database versions not stated): ESP Exome Variant Server 0.00015; TOPMed 0.00003; gnomAD 0.00005.
gnomAD v4.1: 79 of 1,613,696 alleles (0.0049%); highest among the groups gnomAD compares: East Asian, 0.0067%; no homozygotes.

Submissions (2):

Labcorp Genetics (formerly Invitae), Labcorp
Classification: Uncertain significance for Multiple gastrointestinal atresias. Last evaluated: 2024-05-29. Review status: criteria provided, single submitter. Criteria: Invitae Variant Classification Sherloc (09022015). Collection method: clinical testing. Allele origin: germline.
Comment: This sequence change replaces alanine, which is neutral and non-polar, with valine, which is neutral and non-polar, at codon 737 of the TTC7A protein (p.Ala737Val). This variant is present in population databases (rs150405237, gnomAD 0.007%). This variant has not been reported in the literature in individuals affected with TTC7A-related conditions. ClinVar contains an entry for this variant (Variation ID: 1056457). Advanced modeling of protein sequence and biophysical properties (such as structural, functional, and spatial information, amino acid conservation, physicochemical variation, residue mobility, and thermodynamic stability) performed at Invitae indicates that this missense variant is expected to disrupt TTC7A protein function with a positive predictive value of 80%. In summary, the available evidence is currently insufficient to determine the role of this variant in disease. Therefore, it has been classified as a Variant of Uncertain Significance.

Dr. Peter K. Rogan Lab, Western University
No classification provided (evidence only). Condition: Nonpapillary renal cell carcinoma. Review status: no classification provided. Collection method: in vitro. Allele origin: not applicable. Functional consequence: skipped exon, retained intron. Not counted in ClinVar's aggregate classification.

NM_020458.4(TTC7A):c.2210C>T (p.Ala737Val)

Gene: TTC7A (tetratricopeptide repeat domain 7A; plus strand). Cytogenetic location: 2p21.
Variant type: single nucleotide variant.
Coding change: c.2210C>T on transcript NM_020458.4 (MANE Select); coding-DNA position 2210, C replaced by T.
Protein change: p.Ala737Val; replaces alanine 737 with valine.
Molecular consequence: missense variant.
Genome position (GRCh38, 1-based): chr2:47,060,826, C>T. VCF-style: chr2-47060826-C-T. GRCh37 (hg19) VCF-style: chr2-47287965-C-T.
Other names: c.2282C>T, p.Ala761Val (NM_001288951.2); c.2108C>T, p.Ala703Val (NM_001288953.2); c.1148C>T, p.Ala383Val (NM_001288955.2); short protein forms A383V, A703V, A737V, A761V.
Identifiers: ClinVar variation 1056457 (VCV001056457.8), dbSNP rs150405237, ClinGen allele CA1648063.